The following is an entry in ClinVar:

NM_138694.4(PKHD1):c.1798dup (p.Ala600fs)

Gene: PKHD1 (PKHD1 ciliary IPT domain containing fibrocystin/polyductin; minus strand). Cytogenetic location: 6p12.2.
Variant type: Duplication.
Coding change: c.1798dup on transcript NM_138694.4 (MANE Select); coding-DNA position 1798, one base duplicated (G; older notation c.1798dupG).
Protein change: p.Ala600fs; shifts the reading frame from alanine 600.
Molecular consequence: frameshift variant.
Genome position (GRCh38, 1-based): chr6:52,055,625, C duplicated on the plus strand (G on the coding strand, the reverse complement: PKHD1 is on the minus strand); the first of 2 consecutive C bases (chr6:52,055,625-52,055,626); duplicating either gives the same sequence. VCF-style (leftmost placement, unchanged base first): chr6-52055624-G-GC. GRCh37 (hg19) VCF-style: chr6-51920422-G-GC.
Other names: c.1798dup, p.Ala600fs (NM_170724.3); short protein forms A600fs.
Identifiers: ClinVar variation 5012098 (VCV005012098.1).

ClinVar aggregate classification (germline): Pathogenic (1 of 4 stars; one submission).

Conditions:
Polycystic kidney disease 4 (PKD4). Also called: POLYCYSTIC KIDNEY AND HEPATIC DISEASE 1; POLYCYSTIC KIDNEY DISEASE, INFANTILE, TYPE I; POLYCYSTIC KIDNEY DISEASE 4 WITH OR WITHOUT POLYCYSTIC LIVER DISEASE; PKD3; Autosomal Recessive Polycystic Kidney Disease – PKHD1. Identifiers: MedGen C4540575, MONDO:0033004, OMIM 263200.

Submission:

Myriad Genetics, Inc.
Classification: Pathogenic for Polycystic kidney disease 4. Last evaluated: 2023-09-27. Review status: criteria provided, single submitter. Criteria: Myriad Autosomal Dominant, Autosomal Recessive and X-Linked Classification Criteria (2023). Collection method: clinical testing. Allele origin: unknown.
Comment: NM_138694.3(PKHD1):c.1798dupG(A600Gfs*46) is expected to be pathogenic in the context of autosomal recessive polycystic kidney disease, PKHD1-related. This variant is predicted to lead to an abnormal or absent protein product due to the creation of a premature termination codon in PKHD1, a gene where loss-of-function variants are known to be pathogenic. Please note: this variant was assessed in the context of healthy population screening.